The following is an entry in ClinVar:

NM_000875.5(IGF1R):c.3364G>T (p.Gly1122Cys)

Gene: IGF1R (insulin like growth factor 1 receptor; plus strand). Cytogenetic location: 15q26.3.
Variant type: single nucleotide variant.
Coding change: c.3364G>T on transcript NM_000875.5 (MANE Select); coding-DNA position 3364, G replaced by T.
Protein change: p.Gly1122Cys; replaces glycine 1122 with cysteine.
Molecular consequence: missense variant.
Genome position (GRCh38, 1-based): chr15:98,939,267, G>T. VCF-style: chr15-98939267-G-T. GRCh37 (hg19) VCF-style: chr15-99482496-G-T.
Other names: c.3361G>T, p.Gly1121Cys (NM_001291858.2); short protein forms G1121C, G1122C.
Identifiers: ClinVar variation 4695117 (VCV004695117.1).

ClinVar aggregate classification (germline): Likely pathogenic (1 of 4 stars; one submission).

gnomAD v4.1: 1 of 1,613,620 alleles (0.000062%); highest among the groups gnomAD compares: Non-Finnish European, 0.000085%; no homozygotes.

Submission:

Labcorp Genetics (formerly Invitae), Labcorp
Classification: Likely pathogenic. Last evaluated: 2025-09-27. Review status: criteria provided, single submitter. Criteria: Invitae Variant Classification Sherloc (09022015). Collection method: clinical testing. Allele origin: germline.
Comment: This sequence change replaces glycine, which is neutral and non-polar, with cysteine, which is neutral and slightly polar, at codon 1122 of the IGF1R protein (p.Gly1122Cys). This variant is not present in population databases (gnomAD no frequency). This missense change has been observed in individual(s) with autosomal dominant short stature with microcephaly (PMID: 32037650). It has also been observed to segregate with disease in related individuals. Invitae Evidence Modeling of protein sequence and biophysical properties (such as structural, functional, and spatial information, amino acid conservation, physicochemical variation, residue mobility, and thermodynamic stability) indicates that this missense variant is expected to disrupt IGF1R protein function with a positive predictive value of 80%. In summary, the currently available evidence indicates that the variant is pathogenic, but additional data are needed to prove that conclusively. Therefore, this variant has been classified as Likely Pathogenic.

Literature cited by the submitters: PubMed 32037650.